The following is an entry in ClinVar:

NM_013382.7(POMT2):c.1041C>G (p.Asn347Lys)

Gene: POMT2 (protein O-mannosyltransferase 2; minus strand). Cytogenetic location: 14q24.3.
Variant type: single nucleotide variant.
Coding change: c.1041C>G on transcript NM_013382.7 (MANE Select); coding-DNA position 1041, C replaced by G.
Protein change: p.Asn347Lys; replaces asparagine 347 with lysine.
Molecular consequence: missense variant.
Genome position (GRCh38, 1-based): chr14:77,296,239, G>C on the plus strand (C>G on the coding strand, the complement: POMT2 is on the minus strand). VCF-style: chr14-77296239-G-C. GRCh37 (hg19) VCF-style: chr14-77762582-G-C.
Other names: short protein forms N347K.
Identifiers: ClinVar variation 4077102 (VCV004077102.1).

ClinVar aggregate classification (germline): Uncertain significance (1 of 4 stars; one submission).

Conditions:
Muscular dystrophy-dystroglycanopathy (congenital with impaired intellectual development), type B, 2. Also called: MUSCULAR DYSTROPHY, CONGENITAL, POMT2-RELATED; Muscular dystrophy-dystroglycanopathy (congenital with intellectual disability), type B2. Identifiers: MedGen C3150416, MONDO:0013160, OMIM 613156.

gnomAD v4.1: 1 of 1,607,694 alleles (0.000062%); highest among the groups gnomAD compares: Non-Finnish European, 0.000085%; no homozygotes.

Submission:

Department of Paediatric Medicine, Post Graduation Institute of Medical Education and Research
Classification: Uncertain significance for Muscular dystrophy-dystroglycanopathy (congenital with impaired intellectual development), type B, 2. Last evaluated: 2025-08-18. Review status: criteria provided, single submitter. Criteria: ACMG Guidelines, 2015. Collection method: clinical testing. Allele origin: germline. Inheritance: Autosomal recessive inheritance. Affected: yes. Observed: 1 variant allele, 1 heterozygote.
Comment: Heterozygous missense variant c.1041C>G in exon 9 of POMT2 gene that results in amino acid p.Asn347Lys with another heterozygous variant in the gene. This is a novel variant, not reported in gnomAD.